The following is an entry in ClinVar:

NM_001164508.2(NEB):c.3943A>G (p.Ile1315Val)

Gene: NEB (nebulin; minus strand). Cytogenetic location: 2q23.3.
Variant type: single nucleotide variant.
Coding change: c.3943A>G on transcript NM_001164508.2 (MANE Select); coding-DNA position 3943, A replaced by G.
Protein change: p.Ile1315Val; replaces isoleucine 1315 with valine.
Molecular consequence: missense variant.
Genome position (GRCh38, 1-based): chr2:151,674,521, T>C on the plus strand (A>G on the coding strand, the complement: NEB is on the minus strand). VCF-style: chr2-151674521-T-C. GRCh37 (hg19) VCF-style: chr2-152531035-T-C.
Other names: c.3943A>G, p.Ile1315Val (NM_001164507.2, NM_001271208.2, NM_004543.5); short protein forms I1315V.
Identifiers: ClinVar variation 1987680 (VCV001987680.1), dbSNP rs2552261388, ClinGen allele CA348817707.

ClinVar aggregate classification (germline): Uncertain significance (1 of 4 stars; one submission).

Conditions:
Nemaline myopathy 2 (NEM2). Also called: Nemaline myopathy 2, autosomal recessive. Identifiers: MedGen C1850569, MONDO:0009725, OMIM 256030.

gnomAD v4.1: 2 of 1,614,030 alleles (0.00012%); highest among the groups gnomAD compares: Non-Finnish European, 0.00017%; no homozygotes.

Submission:

Labcorp Genetics (formerly Invitae), Labcorp
Classification: Uncertain significance for Nemaline myopathy 2. Last evaluated: 2021-05-18. Review status: criteria provided, single submitter. Criteria: Invitae Variant Classification Sherloc (09022015). Collection method: clinical testing. Allele origin: germline.
Comment: This sequence change replaces isoleucine with valine at codon 1315 of the NEB protein (p.Ile1315Val). The isoleucine residue is moderately conserved and there is a small physicochemical difference between isoleucine and valine. This variant is not present in population databases (ExAC no frequency). This variant has not been reported in the literature in individuals with NEB-related conditions. Algorithms developed to predict the effect of missense changes on protein structure and function are either unavailable or do not agree on the potential impact of this missense change (SIFT: "Deleterious"; PolyPhen-2: "Not Available"; Align-GVGD: "Class C0"). In summary, the available evidence is currently insufficient to determine the role of this variant in disease. Therefore, it has been classified as a Variant of Uncertain Significance.